The following is an entry in ClinVar:

NM_000264.5(PTCH1):c.1321del (p.Arg441fs)

Gene: PTCH1 (patched 1; minus strand). Cytogenetic location: 9q22.32.
Variant type: Deletion.
Coding change: c.1321del on transcript NM_000264.5 (MANE Select); coding-DNA position 1321, one base deleted (C; older notation c.1321delC).
Protein change: p.Arg441fs; shifts the reading frame from arginine 441.
Molecular consequence: frameshift variant. On other transcripts: non-coding transcript variant (1).
Genome position (GRCh38, 1-based): chr9:95,478,081, G deleted on the plus strand (C on the coding strand, the reverse complement: PTCH1 is on the minus strand); the first of 2 consecutive G bases (chr9:95,478,081-95,478,082); deleting either gives the same sequence. VCF-style (leftmost placement, unchanged base first): chr9-95478080-CG-C. GRCh37 (hg19) VCF-style: chr9-98240362-CG-C.
Other names: c.1123del, p.Arg375fs (NM_001083602.3); c.1318del, p.Arg440fs (NM_001083603.3); c.868del, p.Arg290fs (NM_001083604.3, NM_001083605.3, NM_001083606.3 and 1 more transcripts); c.1321del, p.Arg441fs (NM_001354918.2); short protein forms R290fs, R441fs, R375fs, R440fs.
Identifiers: ClinVar variation 2824266 (VCV002824266.3), dbSNP rs2538209896, ClinGen allele CA2739264784.

ClinVar aggregate classification (germline): Pathogenic (1 of 4 stars; one submission).

Conditions:
Gorlin syndrome. Also called: Nevoid Basal Cell Carcinoma Syndrome; Basal cell nevus syndrome. Identifiers: Orphanet 377, MedGen C0004779, MONDO:0007187.

Submission:

Labcorp Genetics (formerly Invitae), Labcorp
Classification: Pathogenic for Gorlin syndrome. Last evaluated: 2022-12-26. Review status: criteria provided, single submitter. Criteria: Invitae Variant Classification Sherloc (09022015). Collection method: clinical testing. Allele origin: germline.
Comment: For these reasons, this variant has been classified as Pathogenic. This variant has not been reported in the literature in individuals affected with PTCH1-related conditions. This variant is not present in population databases (gnomAD no frequency). This sequence change creates a premature translational stop signal (p.Arg441Alafs*15) in the PTCH1 gene. It is expected to result in an absent or disrupted protein product. Loss-of-function variants in PTCH1 are known to be pathogenic (PMID: 16301862, 16419085).

Literature cited by the submitters: PubMed 16301862; PubMed 16419085.